The following is an entry in ClinVar:

NM_000022.4(ADA):c.33+3G>A

Genes: ADA (adenosine deaminase; minus strand), LOC107303343 (adenosine deaminase intronic regulatory elements; plus strand). Cytogenetic location: 20q13.12.
Variant type: single nucleotide variant.
Coding change: c.33+3G>A on transcript NM_000022.4 (MANE Select); 3 bases into the intron after coding-DNA position 33, G replaced by A.
Molecular consequence: intron variant.
Genome position (GRCh38, 1-based): chr20:44,651,572, C>T on the plus strand (G>A on the coding strand, the complement: ADA is on the minus strand). VCF-style: chr20-44651572-C-T. GRCh37 (hg19) VCF-style: chr20-43280213-C-T.
Other names: c.-257+3G>A (NM_001322050.2); c.33+3G>A (NM_001322051.2, NM_000022.3).
Identifiers: ClinVar variation 854068 (VCV000854068.8), dbSNP rs774061553, ClinGen allele CA9871808.

ClinVar aggregate classification (germline): Conflicting classifications of pathogenicity. Review status: criteria provided, conflicting classifications (1 of 4 stars). 4 submissions from 4 submitters: Uncertain significance (1); Likely benign (1). 2 of the submissions do not count toward it. Last evaluated 2022-10-24.

Conditions:
ADA-related disorder. Also called: ADA-related condition.
Severe combined immunodeficiency, autosomal recessive, T cell-negative, B cell-negative, NK cell-negative, due to adenosine deaminase deficiency. Also called: ADA deficiency; Adenosine deaminase deficient severe combined immunodeficiency; Severe combined immunodeficiency due to ADA deficiency; Adenosine Deaminase Deficiency; SCID DUE TO ADA DEFICIENCY; SCID DUE TO ADA DEFICIENCY, EARLY-ONSET. Identifiers: Orphanet 277, MedGen C0392607, MONDO:0007064, OMIM 102700.

Allele frequency attached by ClinVar (database versions not stated): ExAC below 0.00001; TOPMed below 0.00001; gnomAD 0.00001 and 0.00003; gnomAD exomes 0.00001; 1000 Genomes Project 30x 0.00062.
gnomAD v4.1: 22 of 1,540,532 alleles (0.0014%); highest among the groups gnomAD compares: African/African-American, 0.023%; no homozygotes.

Submissions (4):

Labcorp Genetics (formerly Invitae), Labcorp
Classification: Uncertain significance for Severe combined immunodeficiency, autosomal recessive, T cell-negative, B cell-negative, NK cell-negative, due to adenosine deaminase deficiency. Last evaluated: 2022-10-24. Review status: criteria provided, single submitter. Criteria: Invitae Variant Classification Sherloc (09022015). Collection method: clinical testing. Allele origin: germline.
Comment: This sequence change falls in intron 1 of the ADA gene. It does not directly change the encoded amino acid sequence of the ADA protein. It affects a nucleotide within the consensus splice site. This variant is not present in population databases (gnomAD no frequency). This variant has not been reported in the literature in individuals affected with ADA-related conditions. ClinVar contains an entry for this variant (Variation ID: 854068). Variants that disrupt the consensus splice site are a relatively common cause of aberrant splicing (PMID: 17576681, 9536098). Algorithms developed to predict the effect of sequence changes on RNA splicing suggest that this variant is not likely to affect RNA splicing. In summary, the available evidence is currently insufficient to determine the role of this variant in disease. Therefore, it has been classified as a Variant of Uncertain Significance.

Blueprint Genetics
Classification: Likely benign. Last evaluated: 2021-03-31. Review status: criteria provided, single submitter. Criteria: ACMG Guidelines, 2015. Collection method: clinical testing. Allele origin: germline.

Natera, Inc.
Classification: Uncertain significance for Severe combined immunodeficiency due to ADA deficiency. Last evaluated: 2020-01-17. Review status: no assertion criteria provided. Collection method: clinical testing. Allele origin: germline. Not counted in ClinVar's aggregate classification.

PreventionGenetics, part of Exact Sciences
Classification: Likely benign for ADA-related condition. Last evaluated: 2019-03-12. Review status: no assertion criteria provided. Collection method: clinical testing. Allele origin: germline. Not counted in ClinVar's aggregate classification.
Comment: This variant is classified as likely benign based on ACMG/AMP sequence variant interpretation guidelines (Richards et al. 2015 PMID: 25741868, with internal and published modifications).

Literature cited by the submitters: PubMed 17576681 (cited by Labcorp Genetics (formerly Invitae), Labcorp); PubMed 9536098 (cited by Labcorp Genetics (formerly Invitae), Labcorp).